The following is an entry in ClinVar:

ClinVar aggregate classification (germline): Uncertain significance (1 of 4 stars; one submission).

Allele frequency attached by ClinVar (database versions not stated): TOPMed below 0.00001.

Submission:

GeneDx
Classification: Uncertain significance. Last evaluated: 2023-06-06. Review status: criteria provided, single submitter. Criteria: GeneDx Variant Classification Process June 2021. Collection method: clinical testing. Allele origin: germline. Affected: yes.
Comment: Not observed at significant frequency in large population cohorts (gnomAD); In silico analysis supports that this missense variant has a deleterious effect on protein structure/function; Has not been previously published as pathogenic or benign to our knowledge

NM_004621.6(TRPC6):c.2687A>G (p.Tyr896Cys)

Gene: TRPC6 (transient receptor potential cation channel subfamily C member 6; minus strand). Cytogenetic location: 11q22.1.
Variant type: single nucleotide variant.
Coding change: c.2687A>G on transcript NM_004621.6 (MANE Select); coding-DNA position 2687, A replaced by G.
Protein change: p.Tyr896Cys; replaces tyrosine 896 with cysteine.
Molecular consequence: missense variant.
Genome position (GRCh38, 1-based): chr11:101,453,064, T>C on the plus strand (A>G on the coding strand, the complement: TRPC6 is on the minus strand). VCF-style: chr11-101453064-T-C. GRCh37 (hg19) VCF-style: chr11-101323795-T-C.
Other names: short protein forms Y896C.
Identifiers: ClinVar variation 3252520 (VCV003252520.1), dbSNP rs1858800126.